The following is an entry in ClinVar:

NM_004373.4(COX6A1):c.110T>G (p.Met37Arg)

Gene: COX6A1 (cytochrome c oxidase subunit 6A1; plus strand). Cytogenetic location: 12q24.31.
Variant type: single nucleotide variant.
Coding change: c.110T>G on transcript NM_004373.4 (MANE Select); coding-DNA position 110, T replaced by G.
Protein change: p.Met37Arg; replaces methionine 37 with arginine.
Molecular consequence: missense variant.
Genome position (GRCh38, 1-based): chr12:120,438,385, T>G. VCF-style: chr12-120438385-T-G. GRCh37 (hg19) VCF-style: chr12-120876188-T-G.
Other names: short protein forms M37R.
Identifiers: ClinVar variation 1448622 (VCV001448622.6), dbSNP rs143732226, ClinGen allele CA386568608.

ClinVar aggregate classification (germline): Uncertain significance (1 of 4 stars; one submission).

Submission:

Labcorp Genetics (formerly Invitae), Labcorp
Classification: Uncertain significance. Last evaluated: 2021-12-09. Review status: criteria provided, single submitter. Criteria: Invitae Variant Classification Sherloc (09022015). Collection method: clinical testing. Allele origin: germline.
Comment: In summary, the available evidence is currently insufficient to determine the role of this variant in disease. Therefore, it has been classified as a Variant of Uncertain Significance. Algorithms developed to predict the effect of sequence changes on RNA splicing suggest that this variant may create or strengthen a splice site. Algorithms developed to predict the effect of missense changes on protein structure and function are either unavailable or do not agree on the potential impact of this missense change (SIFT: "Deleterious"; PolyPhen-2: "Benign"; Align-GVGD: "Class C0"). This variant has not been reported in the literature in individuals affected with COX6A1-related conditions. This variant is not present in population databases (gnomAD no frequency). This sequence change replaces methionine, which is neutral and non-polar, with arginine, which is basic and polar, at codon 37 of the COX6A1 protein (p.Met37Arg).